The following is an entry in ClinVar:

NM_152564.5(VPS13B):c.9699C>A (p.His3233Gln)

Gene: VPS13B (vacuolar protein sorting 13 homolog B; plus strand). Cytogenetic location: 8q22.2.
Variant type: single nucleotide variant.
Coding change: c.9699C>A on transcript NM_152564.5 (MANE Select); coding-DNA position 9699, C replaced by A.
Protein change: p.His3233Gln; replaces histidine 3233 with glutamine.
Molecular consequence: missense variant.
Genome position (GRCh38, 1-based): chr8:99,835,281, C>A. VCF-style: chr8-99835281-C-A. GRCh37 (hg19) VCF-style: chr8-100847509-C-A.
Other names: c.9774C>A, p.His3258Gln (NM_017890.5); short protein forms H3233Q, H3258Q.
Identifiers: ClinVar variation 2002909 (VCV002002909.4), dbSNP rs2492120114, ClinGen allele CA371782698.

ClinVar aggregate classification (germline): Uncertain significance (1 of 4 stars; one submission).

Conditions:
Cohen syndrome (COH1). Also called: Cutis verticis gyrata, retinitis pigmentosa, and sensorineural deafness; PEPPER SYNDROME. Identifiers: Orphanet 193, MedGen C0265223, MONDO:0008999, OMIM 216550.

Submission:

Labcorp Genetics (formerly Invitae), Labcorp
Classification: Uncertain significance for Cohen syndrome. Last evaluated: 2024-10-16. Review status: criteria provided, single submitter. Criteria: Invitae Variant Classification Sherloc (09022015). Collection method: clinical testing. Allele origin: germline.
Comment: This sequence change replaces histidine, which is basic and polar, with glutamine, which is neutral and polar, at codon 3258 of the VPS13B protein (p.His3258Gln). This variant is not present in population databases (gnomAD no frequency). This variant has not been reported in the literature in individuals affected with VPS13B-related conditions. ClinVar contains an entry for this variant (Variation ID: 2002909). Invitae Evidence Modeling of protein sequence and biophysical properties (such as structural, functional, and spatial information, amino acid conservation, physicochemical variation, residue mobility, and thermodynamic stability) indicates that this missense variant is not expected to disrupt VPS13B protein function with a negative predictive value of 80%. In summary, the available evidence is currently insufficient to determine the role of this variant in disease. Therefore, it has been classified as a Variant of Uncertain Significance.